The following is an entry in ClinVar:

ClinVar aggregate classification (germline): Uncertain significance. Review status: criteria provided, multiple submitters, no conflicts (2 of 4 stars). 3 submissions from 3 submitters: Uncertain significance (3). Last evaluated 2024-10-25.

Conditions:
Karyomegalic interstitial nephritis. Identifiers: Orphanet 401996, MedGen C3553774, MONDO:0013898, OMIM 614817.

gnomAD v4.1: 12 of 1,614,230 alleles (0.00074%); highest among the groups gnomAD compares: Non-Finnish European, 0.001%; no homozygotes.

Submissions (3):

Blueprint Genetics
Classification: Uncertain significance. Last evaluated: 2024-10-25. Review status: criteria provided, single submitter. Criteria: ACMG Guidelines, 2015. Collection method: clinical testing. Allele origin: germline.

Fulgent Genetics
Classification: Uncertain significance for Karyomegalic interstitial nephritis. Last evaluated: 2024-05-28. Review status: criteria provided, single submitter. Criteria: ACMG Guidelines, 2015. Collection method: clinical testing. Allele origin: germline.

Labcorp Genetics (formerly Invitae), Labcorp
Classification: Uncertain significance. Last evaluated: 2024-03-28. Review status: criteria provided, single submitter. Criteria: Invitae Variant Classification Sherloc (09022015). Collection method: clinical testing. Allele origin: germline.
Comment: This sequence change replaces glutamic acid, which is acidic and polar, with lysine, which is basic and polar, at codon 815 of the FAN1 protein (p.Glu815Lys). This variant is present in population databases (rs747737209, gnomAD 0.003%). This variant has not been reported in the literature in individuals affected with FAN1-related conditions. An algorithm developed to predict the effect of missense changes on protein structure and function (PolyPhen-2) suggests that this variant is likely to be disruptive. In summary, the available evidence is currently insufficient to determine the role of this variant in disease. Therefore, it has been classified as a Variant of Uncertain Significance.

NM_014967.5(FAN1):c.2443G>A (p.Glu815Lys)

Genes: FAN1 (FANCD2 and FANCI associated nuclease 1; plus strand), MTMR10 (myotubularin related protein 10; minus strand). Cytogenetic location: 15q13.3.
Variant type: single nucleotide variant.
Coding change: c.2443G>A on transcript NM_014967.5 (MANE Select); coding-DNA position 2443, G replaced by A.
Protein change: p.Glu815Lys; replaces glutamic acid 815 with lysine.
Molecular consequence: missense variant.
Genome position (GRCh38, 1-based): chr15:30,925,894, G>A. VCF-style: chr15-30925894-G-A. GRCh37 (hg19) VCF-style: chr15-31218097-G-A.
Other names: short protein forms E815K.
Identifiers: ClinVar variation 3577038 (VCV003577038.4).